The following is an entry in ClinVar:

ClinVar aggregate classification (germline): Uncertain significance (1 of 4 stars; one submission).

Allele frequency attached by ClinVar (database versions not stated): gnomAD exomes 0.00009; ExAC 0.00023; gnomAD 0.00086; 1000 Genomes Project 0.00104.

Submission:

Women's Health and Genetics/Laboratory Corporation of America, LabCorp
Classification: Uncertain significance. Last evaluated: 2023-06-29. Review status: criteria provided, single submitter. Criteria: LabCorp Variant Classification Summary - May 2015. Collection method: clinical testing. Allele origin: germline.
Comment: Variant summary: CTSA c.51_52delGC (p.Leu18AlafsX121) results in a premature termination codon, predicted to cause a truncation of the encoded protein or absence of the protein due to nonsense mediated decay, which are commonly known mechanisms for disease. However, the variant allele was found at a frequency of 0.00019 in 270180 control chromosomes, predominantly at a frequency of 0.0017 within the African or African-American subpopulation in the gnomAD database, including 1 homozygote. The observed variant frequency within African or African-American control individuals in the gnomAD database is approximately 1.075 fold of the estimated maximal expected allele frequency for a pathogenic variant in CTSA causing Galactosialidosis phenotype (0.0016). Additionally, this variant is located in a repetitive region in which other in-frame and out-of-frame del/dup variants have been reported in gnomad with quality flags stating the variants are located in a low complexity region in which the annotation or quality is dubious. To our knowledge, no occurrence of c.51_52delGC in individuals affected with Galactosialidosis and no experimental evidence demonstrating its impact on protein function have been reported. No submitters have cited clinical-significance assessments for this variant to ClinVar after 2014. Based on the evidence outlined above, the variant was classified as uncertain significance.

NM_000308.4(CTSA):c.51_52del (p.Leu18fs)

Gene: CTSA (cathepsin A; plus strand). Cytogenetic location: 20q13.12.
Variant type: Deletion.
Coding change: c.51_52del on transcript NM_000308.4 (MANE Select); coding-DNA positions 51 to 52, 2 bases deleted (GC; older notation c.51_52delGC).
Protein change: p.Leu18fs; shifts the reading frame from leucine 18.
Molecular consequence: frameshift variant. On other transcripts: non-coding transcript variant (1).
Genome position (GRCh38, 1-based): chr20:45,891,619-45,891,620, GC deleted. VCF-style (leftmost placement, unchanged base first): chr20-45891618-TGC-T. GRCh37 (hg19) VCF-style: chr20-44520257-TGC-T.
Other names: c.51_52del, p.Leu18fs (NM_001127695.3, NM_001167594.3); c.51_52delGC (NM_000308.4); short protein forms L18fs.
Identifiers: ClinVar variation 2573389 (VCV002573389.1), dbSNP rs576896599, ClinGen allele CA9882912.